The following is an entry in ClinVar:

ClinVar aggregate classification (germline): Pathogenic (0 of 4 stars; one submission).

Conditions:
Fanconi anemia complementation group A (FANCA). Also called: Fanconi anemia, group A; FANCA-Related Fanconi Anemia. Identifiers: Orphanet 84, MedGen C3469521, MONDO:0009215, OMIM 227650.

Submission:

Leiden Open Variation Database
Classification: Pathogenic for Fanconi anemia complementation group A. Last evaluated: 2020-02-28. Review status: no assertion criteria provided. Collection method: curation. Allele origin: germline. Affected: yes.
Comment: Curator: Arleen D. Auerbach. Submitter to LOVD: Arleen D. Auerbach.

Literature cited by the submitters: PubMed 10094191.

NM_000135.4(FANCA):c.894-1G>A

Gene: FANCA (FA complementation group A; minus strand). Cytogenetic location: 16q24.3.
Variant type: single nucleotide variant.
Coding change: c.894-1G>A on transcript NM_000135.4 (MANE Select); the canonical splice acceptor site of the intron before coding-DNA position 894, G replaced by A.
Molecular consequence: splice acceptor variant.
Genome position (GRCh38, 1-based): chr16:89,796,019, C>T on the plus strand (G>A on the coding strand, the complement: FANCA is on the minus strand). VCF-style: chr16-89796019-C-T. GRCh37 (hg19) VCF-style: chr16-89862427-C-T.
Other names: c.894-1G>A (NM_001286167.3).
Identifiers: ClinVar variation 974207 (VCV000974207.1), dbSNP rs2040234338, ClinGen allele CA397470479.